The following is an entry in ClinVar:

ClinVar aggregate classification (germline): Pathogenic (0 of 4 stars; one submission).

Conditions:
SPTB-related disorder. Also called: SPTB-related condition; SPTB-Related Disorders.

Submission:

PreventionGenetics, part of Exact Sciences
Classification: Pathogenic for SPTB-related condition. Last evaluated: 2024-06-20. Review status: no assertion criteria provided. Collection method: clinical testing. Allele origin: germline.
Comment: The SPTB c.3175delG variant is predicted to result in a frameshift and premature protein termination (p.Glu1059Lysfs*69). To our knowledge, this variant has not been reported in the literature or in a large population database, indicating this variant is rare. Frameshift variants in SPTB are expected to be pathogenic. This variant is interpreted as pathogenic.

NM_001355436.2(SPTB):c.3175del (p.Glu1059fs)

Gene: SPTB (spectrin beta, erythrocytic; minus strand). Cytogenetic location: 14q23.3.
Variant type: Deletion.
Coding change: c.3175del on transcript NM_001355436.2 (MANE Select); coding-DNA position 3175, one base deleted (G; older notation c.3175delG).
Protein change: p.Glu1059fs; shifts the reading frame from glutamic acid 1059.
Molecular consequence: frameshift variant.
Genome position (GRCh38, 1-based): chr14:64,786,790, C deleted on the plus strand (G on the coding strand, the reverse complement: SPTB is on the minus strand); the first of 5 consecutive C bases (chr14:64,786,790-64,786,794); deleting any one gives the same sequence. VCF-style (leftmost placement, unchanged base first): chr14-64786789-TC-T. GRCh37 (hg19) VCF-style: chr14-65253507-TC-T.
Other names: c.3175del, p.Glu1059fs (NM_001024858.4, NM_001355437.2); short protein forms E1059fs.
Identifiers: ClinVar variation 3347551 (VCV003347551.1).